The following is an entry in ClinVar:

NM_005591.4(MRE11):c.160T>C (p.Phe54Leu)

Gene: MRE11 (MRE11 double strand break repair nuclease; minus strand). Cytogenetic location: 11q21.
Variant type: single nucleotide variant.
Coding change: c.160T>C on transcript NM_005591.4 (MANE Select); coding-DNA position 160, T replaced by C.
Protein change: p.Phe54Leu; replaces phenylalanine 54 with leucine.
Molecular consequence: missense variant.
Genome position (GRCh38, 1-based): chr11:94,486,078, A>G on the plus strand (T>C on the coding strand, the complement: MRE11 is on the minus strand). VCF-style: chr11-94486078-A-G. GRCh37 (hg19) VCF-style: chr11-94219244-A-G.
Other names: c.160T>C, p.Phe54Leu (NM_001330347.2, NM_005590.4); short protein forms F54L.
Identifiers: ClinVar variation 1799973 (VCV001799973.3), dbSNP rs2496621705, ClinGen allele CA382379979.

ClinVar aggregate classification (germline): Uncertain significance (1 of 4 stars; one submission).

Conditions:
Hereditary cancer-predisposing syndrome. Also called: Neoplastic Syndromes, Hereditary; Tumor predisposition; Hereditary Cancer Syndrome; Hereditary neoplastic syndrome. Identifiers: Orphanet 140162, MedGen C0027672, MeSH D009386, MONDO:0015356.

Submission:

Ambry Genetics
Classification: Uncertain significance for Hereditary cancer-predisposing syndrome. Last evaluated: 2025-10-22. Review status: criteria provided, single submitter. Criteria: Ambry Variant Classification Scheme 2023. Collection method: clinical testing. Allele origin: germline.
Comment: The p.F54L variant (also known as c.160T>C), located in coding exon 3 of the MRE11A gene, results from a T to C substitution at nucleotide position 160. The phenylalanine at codon 54 is replaced by leucine, an amino acid with highly similar properties. This amino acid position is conserved. In addition, the in silico prediction for this alteration is inconclusive. Since supporting evidence is limited at this time, the clinical significance of this alteration remains unclear.